The following is an entry in ClinVar:

NM_001378120.1(MBD5):c.1336A>G (p.Met446Val)

Gene: MBD5 (methyl-CpG binding domain protein 5; plus strand). Cytogenetic location: 2q23.1.
Variant type: single nucleotide variant.
Coding change: c.1336A>G on transcript NM_001378120.1 (MANE Select); coding-DNA position 1336, A replaced by G.
Protein change: p.Met446Val; replaces methionine 446 with valine.
Molecular consequence: missense variant.
Genome position (GRCh38, 1-based): chr2:148,469,279, A>G. VCF-style: chr2-148469279-A-G. GRCh37 (hg19) VCF-style: chr2-149226848-A-G.
Other names: c.1336A>G, p.Met446Val (NM_018328.5); short protein forms M446V.
Identifiers: ClinVar variation 2629701 (VCV002629701.5), dbSNP rs2469864068, ClinGen allele CA348719475.
Genomic context (GRCh38, chr2:148,469,279, plus strand): 5'-GTTCAGCATTCAGCTTCAACCTCCCTGTCCCCTTCTCCAGTGACATCCCCCGTGCACATG[A>G]TGGGGACTGGAATTGGAAGGATTGAGGCATCGCCCCAAAGATCACGCTCATCTTCCACAT-3'
Protein context (NP_001365049.1, residues 436-456): PSPVTSPVHM[Met446Val]GTGIGRIEAS

ClinVar aggregate classification (germline): Uncertain significance. Review status: criteria provided, multiple submitters, no conflicts (2 of 4 stars). 3 submissions from 3 submitters: Uncertain significance (3). Last evaluated 2025-09-08.

Conditions:
Intellectual developmental disorder, autosomal dominant 1. Also called: MBD5 Haploinsufficiency; Intellectual disability, autosomal dominant 1. Identifiers: Orphanet 228402, MedGen C1969562, MONDO:0007974, OMIM 156200.
MBD5-related disorder. Also called: MBD5-related condition.

Submissions (3):

Labcorp Genetics (formerly Invitae), Labcorp
Classification: Uncertain significance for Intellectual developmental disorder, autosomal dominant 1. Last evaluated: 2025-09-08. Review status: criteria provided, single submitter. Criteria: Invitae Variant Classification Sherloc (09022015). Collection method: clinical testing. Allele origin: germline.
Comment: This sequence change replaces methionine, which is neutral and non-polar, with valine, which is neutral and non-polar, at codon 446 of the MBD5 protein (p.Met446Val). This variant is not present in population databases (gnomAD no frequency). This variant has not been reported in the literature in individuals affected with MBD5-related conditions. ClinVar contains an entry for this variant (Variation ID: 2629701). Invitae Evidence Modeling of protein sequence and biophysical properties (such as structural, functional, and spatial information, amino acid conservation, physicochemical variation, residue mobility, and thermodynamic stability) indicates that this missense variant is not expected to disrupt MBD5 protein function with a negative predictive value of 80%. In summary, the available evidence is currently insufficient to determine the role of this variant in disease. Therefore, it has been classified as a Variant of Uncertain Significance.

PreventionGenetics, part of Exact Sciences
Classification: Uncertain significance for MBD5-related condition. Last evaluated: 2023-05-17. Review status: criteria provided, single submitter. Criteria: ACMG Guidelines, 2015. Collection method: clinical testing. Allele origin: germline.
Comment: The MBD5 c.1336A>G variant is predicted to result in the amino acid substitution p.Met446Val. To our knowledge, this variant has not been reported in the literature or in a large population database, indicating this variant is rare. At this time, the clinical significance of this variant is uncertain due to the absence of conclusive functional and genetic evidence.

GeneDx
Classification: Uncertain significance. Last evaluated: 2023-04-30. Review status: criteria provided, single submitter. Criteria: GeneDx Variant Classification Process June 2021. Collection method: clinical testing. Allele origin: germline. Affected: yes.
Comment: Not observed at significant frequency in large population cohorts (gnomAD); In silico analysis supports that this missense variant does not alter protein structure/function; Has not been previously published as pathogenic or benign to our knowledge